The following is an entry in ClinVar:

NM_002473.6(MYH9):c.4490G>A (p.Arg1497Gln)

Gene: MYH9 (myosin heavy chain 9; minus strand). Cytogenetic location: 22q12.3.
Variant type: single nucleotide variant.
Coding change: c.4490G>A on transcript NM_002473.6 (MANE Select); coding-DNA position 4490, G replaced by A.
Protein change: p.Arg1497Gln; replaces arginine 1497 with glutamine.
Molecular consequence: missense variant.
Genome position (GRCh38, 1-based): chr22:36,289,152, C>T on the plus strand (G>A on the coding strand, the complement: MYH9 is on the minus strand). VCF-style: chr22-36289152-C-T. GRCh37 (hg19) VCF-style: chr22-36685198-C-T.
Other names: short protein forms R1497Q.
Identifiers: ClinVar variation 3695940 (VCV003695940.2).

ClinVar aggregate classification (germline): Uncertain significance (1 of 4 stars; one submission).

gnomAD v4.1: 14 of 1,614,064 alleles (0.00087%); highest among the groups gnomAD compares: South Asian, 0.0011%; no homozygotes.

Submission:

Labcorp Genetics (formerly Invitae), Labcorp
Classification: Uncertain significance. Last evaluated: 2024-10-15. Review status: criteria provided, single submitter. Criteria: Invitae Variant Classification Sherloc (09022015). Collection method: clinical testing. Allele origin: germline.
Comment: This sequence change replaces arginine, which is basic and polar, with glutamine, which is neutral and polar, at codon 1497 of the MYH9 protein (p.Arg1497Gln). The frequency data for this variant in the population databases is considered unreliable, as metrics indicate poor data quality at this position in the gnomAD database. This variant has not been reported in the literature in individuals affected with MYH9-related conditions. Invitae Evidence Modeling of protein sequence and biophysical properties (such as structural, functional, and spatial information, amino acid conservation, physicochemical variation, residue mobility, and thermodynamic stability) indicates that this missense variant is not expected to disrupt MYH9 protein function with a negative predictive value of 80%. In summary, the available evidence is currently insufficient to determine the role of this variant in disease. Therefore, it has been classified as a Variant of Uncertain Significance.